The following is an entry in ClinVar:

ClinVar aggregate classification (germline): Uncertain significance (1 of 4 stars; one submission).

Allele frequency attached by ClinVar (database versions not stated): ExAC 0.00001; gnomAD 0.00001; gnomAD exomes 0.00001; TOPMed 0.00001; ESP Exome Variant Server 0.00008.

Submission:

Labcorp Genetics (formerly Invitae), Labcorp
Classification: Uncertain significance. Last evaluated: 2024-08-13. Review status: criteria provided, single submitter. Criteria: Invitae Variant Classification Sherloc (09022015). Collection method: clinical testing. Allele origin: germline.
Comment: This sequence change replaces glycine, which is neutral and non-polar, with valine, which is neutral and non-polar, at codon 400 of the EFTUD2 protein (p.Gly400Val). This variant is present in population databases (rs139472306, gnomAD 0.007%). This variant has not been reported in the literature in individuals affected with EFTUD2-related conditions. ClinVar contains an entry for this variant (Variation ID: 1358027). Advanced modeling of protein sequence and biophysical properties (such as structural, functional, and spatial information, amino acid conservation, physicochemical variation, residue mobility, and thermodynamic stability) performed at Invitae indicates that this missense variant is not expected to disrupt EFTUD2 protein function with a negative predictive value of 80%. In summary, the available evidence is currently insufficient to determine the role of this variant in disease. Therefore, it has been classified as a Variant of Uncertain Significance.

NM_004247.4(EFTUD2):c.1199G>T (p.Gly400Val)

Gene: EFTUD2 (elongation factor Tu GTP binding domain containing 2; minus strand). Cytogenetic location: 17q21.31.
Variant type: single nucleotide variant.
Coding change: c.1199G>T on transcript NM_004247.4 (MANE Select); coding-DNA position 1199, G replaced by T.
Protein change: p.Gly400Val; replaces glycine 400 with valine.
Molecular consequence: missense variant.
Genome position (GRCh38, 1-based): chr17:44,865,016, C>A on the plus strand (G>T on the coding strand, the complement: EFTUD2 is on the minus strand). VCF-style: chr17-44865016-C-A. GRCh37 (hg19) VCF-style: chr17-42942384-C-A.
Other names: c.1094G>T, p.Gly365Val (NM_001142605.2); c.1199G>T, p.Gly400Val (NM_001258353.2); c.1169G>T, p.Gly390Val (NM_001258354.2); short protein forms G365V, G390V, G400V.
Identifiers: ClinVar variation 1358027 (VCV001358027.8), dbSNP rs139472306, ClinGen allele CA8607843.
Genomic context (GRCh38, chr17:44,865,016, plus strand): 5'-CAGACCAGCCTGAGCAAGGGGCGGATGTTCAGCTTCAGCTCCTCCTTCGTCAGGTGGATG[C>A]CAAGCTCGTCTAGGGTCCGTGGGAGGCTGGTGTCCACGTCACCTACAACCTGTGAGGGTG-3'
Protein context (NP_004238.3, residues 390-410): TSLPRTLDEL[Gly400Val]IHLTKEELKL